The following is an entry in ClinVar:

ClinVar aggregate classification (germline): Conflicting classifications of pathogenicity. Review status: criteria provided, conflicting classifications (1 of 4 stars). 2 submissions from 2 submitters: Uncertain significance (1); Likely benign (1). Last evaluated 2023-03-23.

Conditions:
Hereditary breast ovarian cancer syndrome. Also called: Hereditary breast and ovarian cancer syndrome (HBOC); BRCA1- and BRCA2-Associated Hereditary Breast and Ovarian Cancer; Hereditary breast and ovarian cancer syndrome; Breast and ovarian cancer; Hereditary breast and ovarian cancer; Hereditary breast and/or ovarian cancer syndrome. Identifiers: Orphanet 145, MedGen C0677776, MeSH D061325, MONDO:0003582. Disease mechanism: loss of function.
Hereditary cancer-predisposing syndrome. Also called: Hereditary neoplastic syndrome; Neoplastic Syndromes, Hereditary; Tumor predisposition; Hereditary Cancer Syndrome. Identifiers: Orphanet 140162, MedGen C0027672, MeSH D009386, MONDO:0015356.

Submissions (2):

University of Washington Department of Laboratory Medicine, University of Washington
Classification: Likely benign for Hereditary cancer-predisposing syndrome. Last evaluated: 2023-03-23. Review status: criteria provided, single submitter. Criteria: Dines et al. (Genet Med. 2020). Collection method: curation. Allele origin: germline.
Comment: Missense variant in a coldspot region where missense variants are very unlikely to be pathogenic (PMID:31911673).

BRCA1 coldspot (exon 11 using historical exon numbering). Reclassification based on statistical prior probability

Labcorp Genetics (formerly Invitae), Labcorp
Classification: Uncertain significance for Hereditary breast ovarian cancer syndrome. Last evaluated: 2017-08-28. Review status: criteria provided, single submitter. Criteria: Invitae Variant Classification Sherloc (09022015). Collection method: clinical testing. Allele origin: germline.
Comment: In summary, the available evidence is currently insufficient to determine the role of this variant in disease. Therefore, it has been classified as a Variant of Uncertain Significance. Algorithms developed to predict the effect of missense changes on protein structure and function output the following: SIFT: "Tolerated"; PolyPhen-2: "Benign"; Align-GVGD: "Class C0". The asparagine amino acid residue is found in multiple mammalian species, suggesting that this missense change does not adversely affect protein function. These predictions have not been confirmed by published functional studies and their clinical significance is uncertain. This variant has not been reported in the literature in individuals with BRCA1-related disease. This variant is not present in population databases (ExAC no frequency). This sequence change replaces lysine with asparagine at codon 995 of the BRCA1 protein (p.Lys995Asn). The lysine residue is weakly conserved and there is a moderate physicochemical difference between lysine and asparagine.

NM_007294.4(BRCA1):c.2985G>T (p.Lys995Asn)

Gene: BRCA1 (BRCA1 DNA repair associated; minus strand). Cytogenetic location: 17q21.31.
Variant type: single nucleotide variant.
Coding change: c.2985G>T on transcript NM_007294.4 (MANE Select); coding-DNA position 2985, G replaced by T.
Protein change: p.Lys995Asn; replaces lysine 995 with asparagine.
Molecular consequence: missense variant. On other transcripts: intron variant (137).
Genome position (GRCh38, 1-based): chr17:43,092,546, C>A on the plus strand (G>T on the coding strand, the complement: BRCA1 is on the minus strand). VCF-style: chr17-43092546-C-A. GRCh37 (hg19) VCF-style: chr17-41244563-C-A.
Other names: c.524-1514G>T (NM_001408501.1, NM_001408500.1, NM_001408498.1 and 3 more transcripts); c.2862G>T, p.Lys954Asn (NM_001407667.1, NM_001407668.1, NM_001407674.1 and 19 more transcripts); c.2859G>T, p.Lys953Asn (NM_001407672.1, NM_001407673.1, NM_001407670.1 and 11 more transcripts); c.647-1514G>T (NM_001408452.1, NM_001408466.1, NM_001408455.1 and 11 more transcripts); c.578-1514G>T (NM_001408513.1, NM_001408481.1, NM_001408480.1 and 9 more transcripts); c.521-1514G>T (NM_001408503.1, NM_001408505.1, NM_001408504.1); c.2844G>T, p.Lys948Asn (NM_001407942.1, NM_001407944.1, NM_001407945.1 and 29 more transcripts); c.2841G>T, p.Lys947Asn (NM_001407943.1, NM_001407964.1, NM_001407740.1 and 20 more transcripts); and 41 more; short protein forms K995N, K948N, K867N, K884N, K924N, K925N, K927N, K928N.
Identifiers: ClinVar variation 531400 (VCV000531400.12), dbSNP rs1555588591, ClinGen allele CA10596027.